The following is an entry in ClinVar:

ClinVar aggregate classification (germline): Uncertain significance (1 of 4 stars; one submission).

Conditions:
Cardiovascular phenotype. Identifiers: MedGen CN230736.

Submission:

Ambry Genetics
Classification: Uncertain significance for Cardiovascular phenotype. Last evaluated: 2026-06-21. Review status: criteria provided, single submitter. Criteria: Ambry Variant Classification Scheme 2023. Collection method: clinical testing. Allele origin: germline.
Comment: The p.L761R variant (also known as c.2282T>G), located in coding exon 18 of the ABCC9 gene, results from a T to G substitution at nucleotide position 2282. The leucine at codon 761 is replaced by arginine, an amino acid with dissimilar properties. This amino acid position is conserved. In addition, this alteration is predicted to be deleterious by in silico analysis. Based on the available evidence, the clinical significance of this variant remains unclear.

NM_020297.4(ABCC9):c.2282T>G (p.Leu761Arg)

Gene: ABCC9 (ATP binding cassette subfamily C member 9; minus strand). Cytogenetic location: 12p12.1.
Variant type: single nucleotide variant.
Coding change: c.2282T>G on transcript NM_020297.4 (MANE Select); coding-DNA position 2282, T replaced by G.
Protein change: p.Leu761Arg; replaces leucine 761 with arginine.
Molecular consequence: missense variant.
Genome position (GRCh38, 1-based): chr12:21,863,010, A>C on the plus strand (T>G on the coding strand, the complement: ABCC9 is on the minus strand). VCF-style: chr12-21863010-A-C. GRCh37 (hg19) VCF-style: chr12-22015944-A-C.
Other names: c.2282T>G, p.Leu761Arg (NM_001377273.1, NM_005691.4); c.1415T>G, p.Leu472Arg (NM_001377274.1); short protein forms L472R, L761R.
Identifiers: ClinVar variation 5024285 (VCV005024285.1).